The following is an entry in ClinVar:

ClinVar aggregate classification (germline): Uncertain significance (1 of 4 stars; one submission).

Submission:

Labcorp Genetics (formerly Invitae), Labcorp
Classification: Uncertain significance. Last evaluated: 2023-08-14. Review status: criteria provided, single submitter. Criteria: Invitae Variant Classification Sherloc (09022015). Collection method: clinical testing. Allele origin: germline.
Comment: In summary, the available evidence is currently insufficient to determine the role of this variant in disease. Therefore, it has been classified as a Variant of Uncertain Significance. Advanced modeling of protein sequence and biophysical properties (such as structural, functional, and spatial information, amino acid conservation, physicochemical variation, residue mobility, and thermodynamic stability) performed at Invitae indicates that this missense variant is expected to disrupt KCNH1 protein function. This variant has not been reported in the literature in individuals affected with KCNH1-related conditions. This variant is not present in population databases (gnomAD no frequency). This sequence change replaces threonine, which is neutral and polar, with alanine, which is neutral and non-polar, at codon 552 of the KCNH1 protein (p.Thr552Ala).

NM_172362.3(KCNH1):c.1654A>G (p.Thr552Ala)

Gene: KCNH1 (potassium voltage-gated channel subfamily H member 1; minus strand). Cytogenetic location: 1q32.2.
Variant type: single nucleotide variant.
Coding change: c.1654A>G on transcript NM_172362.3 (MANE Select); coding-DNA position 1654, A replaced by G.
Protein change: p.Thr552Ala; replaces threonine 552 with alanine.
Molecular consequence: missense variant.
Genome position (GRCh38, 1-based): chr1:210,803,975, T>C on the plus strand (A>G on the coding strand, the complement: KCNH1 is on the minus strand). VCF-style: chr1-210803975-T-C. GRCh37 (hg19) VCF-style: chr1-210977317-T-C.
Other names: c.1573A>G, p.Thr525Ala (NM_002238.4); short protein forms T525A, T552A.
Identifiers: ClinVar variation 2855696 (VCV002855696.3), dbSNP rs2526826137, ClinGen allele CA344873958.